The following is an entry in ClinVar:

NM_001851.6(COL9A1):c.827C>T (p.Pro276Leu)

Gene: COL9A1 (collagen type IX alpha 1 chain; minus strand). Cytogenetic location: 6q13.
Variant type: single nucleotide variant.
Coding change: c.827C>T on transcript NM_001851.6 (MANE Select); coding-DNA position 827, C replaced by T.
Protein change: p.Pro276Leu; replaces proline 276 with leucine.
Molecular consequence: missense variant. On other transcripts: non-coding transcript variant (1).
Genome position (GRCh38, 1-based): chr6:70,281,439, G>A on the plus strand (C>T on the coding strand, the complement: COL9A1 is on the minus strand). VCF-style: chr6-70281439-G-A. GRCh37 (hg19) VCF-style: chr6-70991142-G-A.
Other names: c.98C>T, p.Pro33Leu (NM_001377289.1, NM_001377290.1, NM_078485.4); c.827C>T, p.Pro276Leu (NM_001377291.1); short protein forms P276L, P33L.
Identifiers: ClinVar variation 1005998 (VCV001005998.10), dbSNP rs200322941, ClinGen allele CA3882649.

ClinVar aggregate classification (germline): Uncertain significance. Review status: criteria provided, multiple submitters, no conflicts (2 of 4 stars). 3 submissions from 3 submitters: Uncertain significance (3). Last evaluated 2024-12-19.

Conditions:
Stickler syndrome. Identifiers: Orphanet 828, MedGen C0265253, MONDO:0019354.

Allele frequency attached by ClinVar (database versions not stated): ExAC 0.00010; gnomAD exomes 0.00010 and 0.00019; gnomAD 0.00012 and 0.00014; ESP Exome Variant Server 0.00015; 1000 Genomes Project 30x 0.00016; TOPMed 0.00016; 1000 Genomes Project 0.00020.

Submissions (3):

GeneDx
Classification: Uncertain significance. Last evaluated: 2024-12-19. Review status: criteria provided, single submitter. Criteria: GeneDx Variant Classification Process June 2021. Collection method: clinical testing. Allele origin: germline. Affected: yes.
Comment: Has not been previously published as pathogenic or benign to our knowledge; In silico analysis supports that this missense variant has a deleterious effect on protein structure/function

Labcorp Genetics (formerly Invitae), Labcorp
Classification: Uncertain significance. Last evaluated: 2022-07-12. Review status: criteria provided, single submitter. Criteria: Invitae Variant Classification Sherloc (09022015). Collection method: clinical testing. Allele origin: germline.
Comment: This sequence change replaces proline, which is neutral and non-polar, with leucine, which is neutral and non-polar, at codon 276 of the COL9A1 protein (p.Pro276Leu). This variant is present in population databases (rs200322941, gnomAD 0.02%). This variant has not been reported in the literature in individuals affected with COL9A1-related conditions. ClinVar contains an entry for this variant (Variation ID: 1005998). Advanced modeling of protein sequence and biophysical properties (such as structural, functional, and spatial information, amino acid conservation, physicochemical variation, residue mobility, and thermodynamic stability) performed at Invitae indicates that this missense variant is not expected to disrupt COL9A1 protein function. In summary, the available evidence is currently insufficient to determine the role of this variant in disease. Therefore, it has been classified as a Variant of Uncertain Significance.

Department of Pathology and Laboratory Medicine, Sinai Health System
Classification: Uncertain significance for Stickler syndrome. Last evaluated: 2022-06-16. Review status: criteria provided, single submitter. Criteria: ACMG Guidelines, 2015. Collection method: research. Allele origin: germline.